The following is an entry in ClinVar:

ClinVar aggregate classification (germline): Benign (1 of 4 stars; one submission).

Allele frequency attached by ClinVar (database versions not stated): TOPMed 0.41316; 1000 Genomes Project 0.43131; 1000 Genomes Project 30x 0.43629.
gnomAD v4.1: 60,438 of 152,000 alleles (40%); highest among the groups gnomAD compares: African/African-American, 65%; 13,988 homozygotes.

Submission:

GeneDx
Classification: Benign. Last evaluated: 2018-06-19. Review status: criteria provided, single submitter. Criteria: GeneDx Variant Classification (06012015). Collection method: clinical testing. Allele origin: germline. Affected: yes.
Comment: This variant is considered likely benign or benign based on one or more of the following criteria: it is a conservative change, it occurs at a poorly conserved position in the protein, it is predicted to be benign by multiple in silico algorithms, and/or has population frequency not consistent with disease.

NM_003640.5(ELP1):c.3222+205T>G

Gene: ELP1 (elongator acetyltransferase complex subunit 1; minus strand). Cytogenetic location: 9q31.3.
Variant type: single nucleotide variant.
Coding change: c.3222+205T>G on transcript NM_003640.5 (MANE Select); 205 bases into the intron after coding-DNA position 3222, T replaced by G.
Molecular consequence: intron variant.
Genome position (GRCh38, 1-based): chr9:108,889,127, A>C on the plus strand (T>G on the coding strand, the complement: ELP1 is on the minus strand). VCF-style: chr9-108889127-A-C. GRCh37 (hg19) VCF-style: chr9-111651407-A-C.
Other names: c.2880+205T>G (NM_001318360.2); c.2175+205T>G (NM_001330749.2).
Identifiers: ClinVar variation 681918 (VCV000681918.1), dbSNP rs3780507, ClinGen allele CA15606776.